The following is an entry in ClinVar:

NM_019098.5(CNGB3):c.1215_1224del (p.Ile406fs)

Gene: CNGB3 (cyclic nucleotide gated channel subunit beta 3; minus strand). Cytogenetic location: 8q21.3.
Variant type: Deletion.
Coding change: c.1215_1224del on transcript NM_019098.5 (MANE Select); coding-DNA positions 1215 to 1224, 10 bases deleted (AATTACCATT; older notation c.1215_1224delAATTACCATT).
Protein change: p.Ile406fs; shifts the reading frame from isoleucine 406.
Molecular consequence: frameshift variant.
Genome position (GRCh38, 1-based): chr8:86,632,848-86,632,857, AATGGTAATT deleted on the plus strand (AATTACCATT on the coding strand, the reverse complement: CNGB3 is on the minus strand); deleting any 10 consecutive bases within chr8:86,632,848-86,632,859 gives the same sequence; the c. name uses the placement nearest the transcript's 3' end. VCF-style (leftmost placement, unchanged base first): chr8-86632847-CAATGGTAATT-C. GRCh37 (hg19) VCF-style: chr8-87645075-CAATGGTAATT-C.
Other names: short protein forms I406fs.
Identifiers: ClinVar variation 5015495 (VCV005015495.1).

ClinVar aggregate classification (germline): Pathogenic (1 of 4 stars; one submission).

Conditions:
Achromatopsia 3 (ACHM3). Also called: ACHROMATOPSIA WITH MYOPIA; PINGELAPESE BLINDNESS; TOTAL COLORBLINDNESS WITH MYOPIA; ROD MONOCHROMACY 1; ROD MONOCHROMATISM 1. Identifiers: Orphanet 49382, MedGen C1849792, MONDO:0009875, OMIM 262300.

Submission:

Myriad Genetics, Inc.
Classification: Pathogenic for Achromatopsia 3. Last evaluated: 2026-01-27. Review status: criteria provided, single submitter. Criteria: Myriad Autosomal Dominant, Autosomal Recessive and X-Linked Classification Criteria (2023). Collection method: clinical testing. Allele origin: unknown.
Comment: NM_019098.4(CNGB3):c.1215_1224del10(I406Vfs*17) is expected to be pathogenic in the context of achromatopsia, CNGB3-related. This variant is predicted to lead to an abnormal or absent protein product due to the creation of a premature termination codon in CNGB3, a gene where loss-of-function variants are known to be pathogenic. Please note: this variant was assessed in the context of healthy population screening.